The following is an entry in ClinVar:

NM_005236.3(ERCC4):c.1693G>A (p.Ala565Thr)

Gene: ERCC4 (ERCC excision repair 4, endonuclease catalytic subunit; plus strand). Cytogenetic location: 16p13.12.
Variant type: single nucleotide variant.
Coding change: c.1693G>A on transcript NM_005236.3 (MANE Select); coding-DNA position 1693, G replaced by A.
Protein change: p.Ala565Thr; replaces alanine 565 with threonine.
Molecular consequence: missense variant.
Genome position (GRCh38, 1-based): chr16:13,935,625, G>A. VCF-style: chr16-13935625-G-A. GRCh37 (hg19) VCF-style: chr16-14029482-G-A.
Other names: short protein forms A565T.
Identifiers: ClinVar variation 2928352 (VCV002928352.4), dbSNP rs2032273235, ClinGen allele CA394812450.

ClinVar aggregate classification (germline): Uncertain significance. Review status: criteria provided, multiple submitters, no conflicts (2 of 4 stars). 2 submissions from 2 submitters: Uncertain significance (2). Last evaluated 2024-06-19.

Conditions:
Xeroderma pigmentosum, group F (XPF). Also called: ERCC4-Related Xeroderma Pigmentosum; XERODERMA PIGMENTOSUM, COMPLEMENTATION GROUP F; XERODERMA PIGMENTOSUM VI; XP, GROUP F; XERODERMA PIGMENTOSUM, TYPE F; Xeroderma pigmentosum, type 6. Identifiers: MedGen C0268140, MONDO:0010215, OMIM 278760.
Fanconi anemia complementation group Q. Identifiers: Orphanet 84, MedGen C3808988, MONDO:0014108, OMIM 615272.
Cockayne syndrome. Identifiers: Orphanet 191, MedGen C0009207, MONDO:0016006.
XFE progeroid syndrome (XFEPS). Also called: XPF-ERCC1 PROGEROID SYNDROME. Identifiers: MedGen C1970416, MONDO:0012590, OMIM 610965.

Allele frequency attached by ClinVar (database versions not stated): TOPMed 0.00001; gnomAD exomes below 0.00001.
gnomAD v4.1: 3 of 1,614,086 alleles (0.00019%); highest among the groups gnomAD compares: South Asian, 0.0011%; no homozygotes.

Submissions (2):

Fulgent Genetics
Classification: Uncertain significance for Xeroderma pigmentosum, group F; XFE progeroid syndrome; Fanconi anemia complementation group Q. Last evaluated: 2024-06-19. Review status: criteria provided, single submitter. Criteria: ACMG Guidelines, 2015. Collection method: clinical testing. Allele origin: germline.

Labcorp Genetics (formerly Invitae), Labcorp
Classification: Uncertain significance for Fanconi anemia complementation group Q; Xeroderma pigmentosum, group F; Cockayne syndrome. Last evaluated: 2023-10-16. Review status: criteria provided, single submitter. Criteria: Invitae Variant Classification Sherloc (09022015). Collection method: clinical testing. Allele origin: germline.
Comment: This sequence change replaces alanine, which is neutral and non-polar, with threonine, which is neutral and polar, at codon 565 of the ERCC4 protein (p.Ala565Thr). This variant is not present in population databases (gnomAD no frequency). This variant has not been reported in the literature in individuals affected with ERCC4-related conditions. An algorithm developed to predict the effect of missense changes on protein structure and function (PolyPhen-2) suggests that this variant is likely to be tolerated. In summary, the available evidence is currently insufficient to determine the role of this variant in disease. Therefore, it has been classified as a Variant of Uncertain Significance.